The following is an entry in ClinVar:

ClinVar aggregate classification (germline): Uncertain significance (1 of 4 stars; one submission).

Submission:

Labcorp Genetics (formerly Invitae), Labcorp
Classification: Uncertain significance. Last evaluated: 2022-07-14. Review status: criteria provided, single submitter. Criteria: Invitae Variant Classification Sherloc (09022015). Collection method: clinical testing. Allele origin: germline.
Comment: This sequence change replaces glycine, which is neutral and non-polar, with valine, which is neutral and non-polar, at codon 1553 of the COL27A1 protein (p.Gly1553Val). This variant is not present in population databases (gnomAD no frequency). This variant has not been reported in the literature in individuals affected with COL27A1-related conditions. Advanced modeling of protein sequence and biophysical properties (such as structural, functional, and spatial information, amino acid conservation, physicochemical variation, residue mobility, and thermodynamic stability) performed at Invitae indicates that this missense variant is expected to disrupt COL27A1 protein function. In summary, the available evidence is currently insufficient to determine the role of this variant in disease. Therefore, it has been classified as a Variant of Uncertain Significance.

NM_032888.4(COL27A1):c.4658G>T (p.Gly1553Val)

Gene: COL27A1 (collagen type XXVII alpha 1 chain; plus strand). Cytogenetic location: 9q32.
Variant type: single nucleotide variant.
Coding change: c.4658G>T on transcript NM_032888.4 (MANE Select); coding-DNA position 4658, G replaced by T.
Protein change: p.Gly1553Val; replaces glycine 1553 with valine.
Molecular consequence: missense variant.
Genome position (GRCh38, 1-based): chr9:114,300,644, G>T. VCF-style: chr9-114300644-G-T. GRCh37 (hg19) VCF-style: chr9-117062924-G-T.
Other names: short protein forms G1553V.
Identifiers: ClinVar variation 2017062 (VCV002017062.4), dbSNP rs2490350503, ClinGen allele CA374592436.